The following is an entry in ClinVar:

ClinVar aggregate classification (germline): Conflicting classifications of pathogenicity. Review status: criteria provided, conflicting classifications (1 of 4 stars). 5 submissions from 5 submitters: Uncertain significance (2); Benign (1); Likely benign (2). Last evaluated 2026-02-01.

Conditions:
PLEC-related disorder. Also called: PLEC-related disorders; PLEC-related condition.
Epidermolysis bullosa simplex 5C, with pyloric atresia (EBS5C). Also called: PLEC-Related Epidermolysis Bullosa with Pyloric Atresia; Epidermolysis bullosa simplex with pyloric atresia; PLEC1-Related Epidermolysis Bullosa with Pyloric Atresia. Identifiers: Orphanet 158684, MedGen C2677349, MONDO:0012807, OMIM 612138.
Epidermolysis bullosa simplex, Ogna type (EBS5A). Also called: Pidermolysis bullosa simplex 5A, Ogna type; EPIDERMOLYSIS BULLOSA SIMPLEX 5A, OGNA TYPE. Identifiers: Orphanet 79401, MedGen C0432317, MONDO:0007555, OMIM 131950.
Autosomal recessive limb-girdle muscular dystrophy type 2Q (LGMDR17). Also called: MUSCULAR DYSTROPHY, LIMB-GIRDLE, AUTOSOMAL RECESSIVE 17. Identifiers: Orphanet 254361, MedGen C3150989, MONDO:0013390, OMIM 613723.
Epidermolysis bullosa simplex with nail dystrophy (EBS5D). Identifiers: MedGen C4225309, MONDO:0014661, OMIM 616487.
Epidermolysis bullosa simplex 5B, with muscular dystrophy (EBS5B). Also called: Epidermolysis bullosa simplex with muscular dystrophy; EPIDERMOLYSIS BULLOSA SIMPLEX AND LIMB-GIRDLE MUSCULAR DYSTROPHY. Identifiers: Orphanet 257, MedGen C2931072, MONDO:0009181, OMIM 226670.
Inborn genetic diseases. Identifiers: MedGen C0950123, MeSH D030342.

Allele frequency attached by ClinVar (database versions not stated): gnomAD 0.00010 and 0.00015; gnomAD exomes 0.00011 and 0.00037; TOPMed 0.00025; 1000 Genomes Project 30x 0.00047; 1000 Genomes Project 0.00060; ExAC 0.00086.
gnomAD v4.1: 183 of 1,587,290 alleles (0.012%); highest among the groups gnomAD compares: East Asian, 0.37%; no homozygotes.

Submissions (5):

Labcorp Genetics (formerly Invitae), Labcorp
Classification: Benign for Autosomal recessive limb-girdle muscular dystrophy type 2Q; Epidermolysis bullosa simplex, Ogna type; Epidermolysis bullosa simplex with nail dystrophy; Epidermolysis bullosa simplex 5C, with pyloric atresia; Epidermolysis bullosa simplex 5B, with muscular dystrophy. Last evaluated: 2026-02-01. Review status: criteria provided, single submitter. Criteria: Invitae Variant Classification Sherloc (09022015). Collection method: clinical testing. Allele origin: germline.

PreventionGenetics, part of Exact Sciences
Classification: Likely benign for PLEC-related condition. Last evaluated: 2025-10-31. Review status: criteria provided, single submitter. Criteria: ACMG Guidelines, 2015. Collection method: clinical testing. Allele origin: germline.
Comment: This variant is classified as likely benign based on ACMG/AMP sequence variant interpretation guidelines (Richards et al. 2015 PMID: 25741868, with internal and published modifications).

Ambry Genetics
Classification: Uncertain significance for Inborn genetic diseases. Last evaluated: 2024-10-19. Review status: criteria provided, single submitter. Criteria: Ambry Variant Classification Scheme 2023. Collection method: clinical testing. Allele origin: germline.

CeGaT Center for Human Genetics Tuebingen
Classification: Uncertain significance. Last evaluated: 2024-06-01. Review status: criteria provided, single submitter. Criteria: CeGaT Center For Human Genetics Tuebingen Variant Classification Criteria Version 2. Collection method: clinical testing. Allele origin: germline. Affected: yes. Observed: 1 variant allele.
Comment: PLEC: PM2, PM3:Supporting

GeneDx
Classification: Likely benign. Last evaluated: 2017-10-05. Review status: criteria provided, single submitter. Criteria: GeneDx Variant Classification (06012015). Collection method: clinical testing. Allele origin: germline. Affected: yes.
Comment: This variant is considered likely benign or benign based on one or more of the following criteria: it is a conservative change, it occurs at a poorly conserved position in the protein, it is predicted to be benign by multiple in silico algorithms, and/or has population frequency not consistent with disease.

NM_201384.3(PLEC):c.3227A>G (p.Gln1076Arg)

Gene: PLEC (plectin; minus strand). Cytogenetic location: 8q24.3.
Variant type: single nucleotide variant.
Coding change: c.3227A>G on transcript NM_201384.3 (MANE Select); coding-DNA position 3227, A replaced by G.
Protein change: p.Gln1076Arg; replaces glutamine 1076 with arginine.
Molecular consequence: missense variant.
Genome position (GRCh38, 1-based): chr8:143,929,136, T>C on the plus strand (A>G on the coding strand, the complement: PLEC is on the minus strand). VCF-style: chr8-143929136-T-C. GRCh37 (hg19) VCF-style: chr8-145003304-T-C.
Other names: c.3308A>G, p.Gln1103Arg (NM_000445.5); c.3185A>G, p.Gln1062Arg (NM_201378.4); c.3161A>G, p.Gln1054Arg (NM_201379.3); c.3638A>G, p.Gln1213Arg (NM_201380.4); c.3131A>G, p.Gln1044Arg (NM_201381.3); c.3227A>G, p.Gln1076Arg (NM_201382.4); c.3239A>G, p.Gln1080Arg (NM_201383.3); short protein forms Q1044R, Q1054R, Q1062R, Q1076R, Q1080R, Q1103R, Q1213R.
Identifiers: ClinVar variation 512266 (VCV000512266.31), dbSNP rs576369528, ClinGen allele CA4927166.